The following is an entry in ClinVar:

ClinVar aggregate classification (germline): Uncertain significance (1 of 4 stars; one submission).

Conditions:
KBG syndrome (KBGS). Also called: ANKRD11-Related KBG Syndrome. Identifiers: Orphanet 2332, MedGen C0220687, MONDO:0007846, OMIM 148050.

Allele frequency attached by ClinVar (database versions not stated): gnomAD exomes below 0.00001.

Submission:

Labcorp Genetics (formerly Invitae), Labcorp
Classification: Uncertain significance for KBG syndrome. Last evaluated: 2024-10-26. Review status: criteria provided, single submitter. Criteria: Invitae Variant Classification Sherloc (09022015). Collection method: clinical testing. Allele origin: germline.
Comment: This sequence change replaces tryptophan, which is neutral and slightly polar, with serine, which is neutral and polar, at codon 1000 of the ANKRD11 protein (p.Trp1000Ser). This variant is not present in population databases (gnomAD no frequency). This variant has not been reported in the literature in individuals affected with ANKRD11-related conditions. ClinVar contains an entry for this variant (Variation ID: 1919258). Invitae Evidence Modeling of protein sequence and biophysical properties (such as structural, functional, and spatial information, amino acid conservation, physicochemical variation, residue mobility, and thermodynamic stability) indicates that this missense variant is not expected to disrupt ANKRD11 protein function with a negative predictive value of 95%. In summary, the available evidence is currently insufficient to determine the role of this variant in disease. Therefore, it has been classified as a Variant of Uncertain Significance.

NM_013275.6(ANKRD11):c.2999G>C (p.Trp1000Ser)

Gene: ANKRD11 (ankyrin repeat domain 11; minus strand). Cytogenetic location: 16q24.3.
Variant type: single nucleotide variant.
Coding change: c.2999G>C on transcript NM_013275.6 (MANE Select); coding-DNA position 2999, G replaced by C.
Protein change: p.Trp1000Ser; replaces tryptophan 1000 with serine.
Molecular consequence: missense variant.
Genome position (GRCh38, 1-based): chr16:89,283,543, C>G on the plus strand (G>C on the coding strand, the complement: ANKRD11 is on the minus strand). VCF-style: chr16-89283543-C-G. GRCh37 (hg19) VCF-style: chr16-89349951-C-G.
Other names: c.2999G>C, p.Trp1000Ser (NM_001256182.2, NM_001256183.2); short protein forms W1000S.
Identifiers: ClinVar variation 1919258 (VCV001919258.5), dbSNP rs2544239072, ClinGen allele CA397160825.